The following is an entry in ClinVar:

NM_025144.4(ALPK1):c.184G>A (p.Val62Met)

Gene: ALPK1 (alpha kinase 1; plus strand). Cytogenetic location: 4q25.
Variant type: single nucleotide variant.
Coding change: c.184G>A on transcript NM_025144.4 (MANE Select); coding-DNA position 184, G replaced by A.
Protein change: p.Val62Met; replaces valine 62 with methionine.
Molecular consequence: missense variant. On other transcripts: intron variant (1).
Genome position (GRCh38, 1-based): chr4:112,382,460, G>A. VCF-style: chr4-112382460-G-A. GRCh37 (hg19) VCF-style: chr4-113303616-G-A.
Other names: c.184G>A, p.Val62Met (NM_001102406.2); c.42+4562G>A (NM_001253884.2); short protein forms V62M.
Identifiers: ClinVar variation 2898874 (VCV002898874.4), dbSNP rs188866014, ClinGen allele CA3046280.

ClinVar aggregate classification (germline): Conflicting classifications of pathogenicity. Review status: criteria provided, conflicting classifications (1 of 4 stars). 2 submissions from 2 submitters: Uncertain significance (1); Likely benign (1). Last evaluated 2025-12-08.

Allele frequency attached by ClinVar (database versions not stated): gnomAD 0.00005; ExAC 0.00009; ESP Exome Variant Server 0.00015; 1000 Genomes Project 30x 0.00016; TOPMed 0.00004; gnomAD exomes 0.00010; 1000 Genomes Project 0.00020.
gnomAD v4.1: 156 of 1,614,054 alleles (0.0097%); highest among the groups gnomAD compares: Middle Eastern, 0.05%; no homozygotes.

Submissions (2):

Labcorp Genetics (formerly Invitae), Labcorp
Classification: Uncertain significance. Last evaluated: 2025-12-08. Review status: criteria provided, single submitter. Criteria: Invitae Variant Classification Sherloc (09022015). Collection method: clinical testing. Allele origin: germline.
Comment: This sequence change replaces valine, which is neutral and non-polar, with methionine, which is neutral and non-polar, at codon 62 of the ALPK1 protein (p.Val62Met). This variant is present in population databases (rs188866014, gnomAD 0.01%). This variant has not been reported in the literature in individuals affected with ALPK1-related conditions. ClinVar contains an entry for this variant (Variation ID: 2898874). Invitae Evidence Modeling of protein sequence and biophysical properties (such as structural, functional, and spatial information, amino acid conservation, physicochemical variation, residue mobility, and thermodynamic stability) indicates that this missense variant is expected to disrupt ALPK1 protein function with a positive predictive value of 80%. In summary, the available evidence is currently insufficient to determine the role of this variant in disease. Therefore, it has been classified as a Variant of Uncertain Significance.

Laboratory of Genetics, Children's Clinical University Hospital Latvia
Classification: Likely benign. Last evaluated: 2025-02-16. Review status: criteria provided, single submitter. Criteria: ACMG Guidelines, 2015. Collection method: clinical testing. Allele origin: germline. Affected: yes.